The following is an entry in ClinVar:

NM_000038.6(APC):c.6575A>G (p.Lys2192Arg)

Gene: APC (APC regulator of Wnt signaling pathway; plus strand). Cytogenetic location: 5q22.2.
Variant type: single nucleotide variant.
Coding change: c.6575A>G on transcript NM_000038.6 (MANE Select); coding-DNA position 6575, A replaced by G.
Protein change: p.Lys2192Arg; replaces lysine 2192 with arginine.
Molecular consequence: missense variant. On other transcripts: non-coding transcript variant (2).
Genome position (GRCh38, 1-based): chr5:112,842,169, A>G. VCF-style: chr5-112842169-A-G. GRCh37 (hg19) VCF-style: chr5-112177866-A-G.
Other names: c.6575A>G, p.Lys2192Arg (NM_001127510.3, NM_001354895.2, NM_001407450.1); c.6521A>G, p.Lys2174Arg (NM_001127511.3); c.6629A>G, p.Lys2210Arg (NM_001354896.2, NM_001407447.1, NM_001407448.1 and 1 more transcripts); c.6605A>G, p.Lys2202Arg (NM_001354897.2); c.6500A>G, p.Lys2167Arg (NM_001354898.2); c.6491A>G, p.Lys2164Arg (NM_001354899.2); c.6452A>G, p.Lys2151Arg (NM_001354900.2); c.6398A>G, p.Lys2133Arg (NM_001354901.2, NM_001407453.1); and 11 more; short protein forms K2151R, K2185R, K2202R, K2182R, K2192R, K2210R, K1909R, K2032R.
Identifiers: ClinVar variation 3928910 (VCV003928910.1).

ClinVar aggregate classification (germline): Uncertain significance (1 of 4 stars; one submission).

Conditions:
Hereditary cancer-predisposing syndrome. Also called: Hereditary Cancer Syndrome; Hereditary neoplastic syndrome; Neoplastic Syndromes, Hereditary; Tumor predisposition. Identifiers: Orphanet 140162, MedGen C0027672, MeSH D009386, MONDO:0015356.

Submission:

Ambry Genetics
Classification: Uncertain significance for Hereditary cancer-predisposing syndrome. Last evaluated: 2025-04-22. Review status: criteria provided, single submitter. Criteria: Ambry Variant Classification Scheme 2023. Collection method: clinical testing. Allele origin: germline.
Comment: The p.K2192R variant (also known as c.6575A>G), located in coding exon 15 of the APC gene, results from an A to G substitution at nucleotide position 6575. The lysine at codon 2192 is replaced by arginine, an amino acid with highly similar properties. This amino acid position is conserved. In addition, in silico predictors for this gene do not accurately predict pathogenicity. Based on the available evidence, the clinical significance of this variant remains unclear.